The following is an entry in ClinVar:

NM_006035.4(CDC42BPB):c.2582C>G (p.Pro861Arg)

Gene: CDC42BPB (CDC42 binding protein kinase beta; minus strand). Cytogenetic location: 14q32.32.
Variant type: single nucleotide variant.
Coding change: c.2582C>G on transcript NM_006035.4 (MANE Select); coding-DNA position 2582, C replaced by G.
Protein change: p.Pro861Arg; replaces proline 861 with arginine.
Molecular consequence: missense variant.
Genome position (GRCh38, 1-based): chr14:102,964,646, G>C on the plus strand (C>G on the coding strand, the complement: CDC42BPB is on the minus strand). VCF-style: chr14-102964646-G-C. GRCh37 (hg19) VCF-style: chr14-103430983-G-C.
Other names: c.2582C>G, p.Pro861Arg (NM_001411054.1); short protein forms P861R.
Identifiers: ClinVar variation 3776122 (VCV003776122.1).

ClinVar aggregate classification (germline): Uncertain significance (1 of 4 stars; one submission).

Conditions:
Chilton-Okur-Chung neurodevelopmental syndrome (CHOCNS). Identifiers: MedGen C5677022, MONDO:0859239, OMIM 619841.

Submission:

3billion
Classification: Uncertain significance for Chilton-Okur-Chung neurodevelopmental syndrome. Last evaluated: 2023-06-22. Review status: criteria provided, single submitter. Criteria: ACMG Guidelines, 2015. Collection method: clinical testing. Allele origin: germline. Affected: yes.
Comment: The variant is not observed in the gnomAD v2.1.1 dataset. Predicted Consequence/Location: Missense changes are a common disease-causing mechanism. In silico tool predictions suggest damaging effect of the variant on gene or gene product (REVEL: 0.20; 3Cnet: 0.84). Therefore, this variant is classified as VUS according to the recommendation of ACMG/AMP guideline.